The following is an entry in ClinVar:

ClinVar aggregate classification (germline): Pathogenic. Review status: criteria provided, multiple submitters, no conflicts (2 of 4 stars). 4 submissions from 4 submitters: Pathogenic (3). 1 of the submissions does not count toward it. Last evaluated 2025-11-11.

Conditions:
FAN1-related disorders.
Karyomegalic interstitial nephritis. Identifiers: Orphanet 401996, MedGen C3553774, MONDO:0013898, OMIM 614817.

Submissions (4):

Victorian Clinical Genetics Services, Murdoch Childrens Research Institute
Classification: Pathogenic for Karyomegalic interstitial nephritis. Last evaluated: 2025-11-11. Review status: criteria provided, single submitter. Criteria: ACMG Guidelines, 2015. Collection method: clinical testing. Allele origin: germline. Affected: yes.
Comment: This variant is classified as Pathogenic. Evidence in support of pathogenic classification: Variant is predicted to cause nonsense-mediated decay (NMD) and loss of protein (premature termination codon is located at least 54 nucleotides upstream of the final exon-exon junction); Variant is absent from gnomAD (v2, v3 and v4); This variant has limited previous evidence of pathogenicity in unrelated individuals. This variant has been classified as pathogenic by a clinical laboratory in ClinVar, it has also been reported in the literature in a homozygous state in two siblings with karyomegalic interstitial nephritis (PMID: 22772369); Other NMD-predicted variants comparable to the one identified in this case have very strong previous evidence for pathogenicity (DECIPHER). Additional information: This variant is homozygous; This gene is associated with autosomal recessive disease; Loss of function is a known mechanism of disease in this gene and is associated with interstitial nephritis, karyomegalic (MIM#614817); Inheritance information for this variant is not currently available in this individual.

Molecular Genetics, Royal Melbourne Hospital
Classification: Pathogenic for Karyomegalic interstitial nephritis. Last evaluated: 2023-06-06. Review status: criteria provided, single submitter. Criteria: ACMG Guidelines, 2015. Collection method: clinical testing. Allele origin: germline. Inheritance: Autosomal recessive inheritance. Affected: yes.
Comment: This sequence change in FAN1 is a nonsense variant predicted to cause a premature stop codon, p.(Trp707*), in biologically relevant exon 8/15 leading to nonsense-mediated decay in a gene in which loss of function is an established disease mechanism (PMID: 20670886, 22772369). This variant is absent from the population database gnomAD v2.1 and v3.1. This variant has been detected as homozygous in multiple individuals with Maori or Polynesian ancestry diagnosed with karyomegalic interstitial nephritis, and segregates with disease within these families (PMID: 22772369, 34386670). Based on the classification scheme RMH Modified ACMG/AMP Guidelines v1.6.1, this variant is classified as PATHOGENIC. Following criteria are met: PVS1, PP1_Strong, PM3, PM2_Supporting.

Blueprint Genetics
Classification: Pathogenic for FAN1-related disorders. Last evaluated: 2022-02-09. Review status: criteria provided, single submitter. Criteria: ACMG Guidelines, 2015. Collection method: clinical testing. Allele origin: germline. Affected: yes. Observed: 5 variant alleles.

OMIM
Classification: Pathogenic for INTERSTITIAL NEPHRITIS, KARYOMEGALIC. Last evaluated: 2012-07-08. Review status: no assertion criteria provided. Collection method: literature only. Allele origin: germline. Not counted in ClinVar's aggregate classification.

Literature cited by the submitters: PubMed 22772369 (cited by 3 submitters); PubMed 20670886 (cited by Molecular Genetics, Royal Melbourne Hospital); PubMed 34386670 (cited by Molecular Genetics, Royal Melbourne Hospital); PubMed 17304531 (cited by OMIM).

NM_014967.5(FAN1):c.2120G>A (p.Trp707Ter)

Genes: FAN1 (FANCD2 and FANCI associated nuclease 1; plus strand), MTMR10 (myotubularin related protein 10; minus strand). Cytogenetic location: 15q13.3.
Variant type: single nucleotide variant.
Coding change: c.2120G>A on transcript NM_014967.5 (MANE Select); coding-DNA position 2120, G replaced by A.
Protein change: p.Trp707Ter; replaces tryptophan 707 with a stop codon.
Molecular consequence: nonsense.
Genome position (GRCh38, 1-based): chr15:30,922,302, G>A. VCF-style: chr15-30922302-G-A. GRCh37 (hg19) VCF-style: chr15-31214505-G-A.
Other names: short protein forms W707*.
Identifiers: ClinVar variation 37094 (VCV000037094.6), dbSNP rs953653119, ClinGen allele CA267472200.